The following is an entry in ClinVar:

NM_000444.6(PHEX):c.540G>A (p.Trp180Ter)

Gene: PHEX (phosphate regulating endopeptidase X-linked; plus strand). Cytogenetic location: Xp22.11.
Variant type: single nucleotide variant.
Coding change: c.540G>A on transcript NM_000444.6 (MANE Select); coding-DNA position 540, G replaced by A.
Protein change: p.Trp180Ter; replaces tryptophan 180 with a stop codon.
Molecular consequence: nonsense.
Genome position (GRCh38, 1-based): chrX:22,077,579, G>A. VCF-style: chrX-22077579-G-A. GRCh37 (hg19) VCF-style: chrX-22095697-G-A.
Other names: c.540G>A, p.Trp180Ter (NM_001282754.2); short protein forms W180*.
Identifiers: ClinVar variation 803743 (VCV000803743.10), dbSNP rs1602274883, ClinGen allele CA412571440.
Genomic context (GRCh38, chrX:22,077,579, plus strand): 5'-ACGGCATTCACCTTTCCGCTGGCCCGTGCTTGAATCTAATATTGGCCCTGAAGGGGTTTG[G>A]TCAGAGAGAAAGTTCAGCCTTCTGCAGACACTTGCAACGTTTCGTGGTCAATACAGCAAT-3'

ClinVar aggregate classification (germline): Pathogenic/Likely pathogenic. Review status: criteria provided, multiple submitters, no conflicts (2 of 4 stars). 3 submissions from 3 submitters: Pathogenic (2); Likely pathogenic (1). Last evaluated 2024-01-25.

Conditions:
Familial X-linked hypophosphatemic vitamin D refractory rickets (XLHRD). Also called: HYPOPHOSPHATEMIC VITAMIN D-RESISTANT RICKETS; Hypophosphatemia, vitamin D-resistant rickets; Vitamin D-resistant rickets, X-linked; X-Linked Hypophosphatemia; Hypophosphatemic Rickets, X-Linked Dominant. Identifiers: Orphanet 89936, MedGen C0733682, MONDO:0010619, OMIM 307800.

Submissions (3):

Fulgent Genetics
Classification: Likely pathogenic for Familial X-linked hypophosphatemic vitamin D refractory rickets. Last evaluated: 2024-01-25. Review status: criteria provided, single submitter. Criteria: ACMG Guidelines, 2015. Collection method: clinical testing. Allele origin: germline.

Labcorp Genetics (formerly Invitae), Labcorp
Classification: Pathogenic. Last evaluated: 2022-11-26. Review status: criteria provided, single submitter. Criteria: Invitae Variant Classification Sherloc (09022015). Collection method: clinical testing. Allele origin: germline.
Comment: This sequence change creates a premature translational stop signal (p.Trp180*) in the PHEX gene. It is expected to result in an absent or disrupted protein product. Loss-of-function variants in PHEX are known to be pathogenic (PMID: 9097956, 9106524, 19219621). This variant is not present in population databases (gnomAD no frequency). This variant has not been reported in the literature in individuals affected with PHEX-related conditions. ClinVar contains an entry for this variant (Variation ID: 803743). For these reasons, this variant has been classified as Pathogenic.

Mendelics
Classification: Pathogenic for Familial X-linked hypophosphatemic vitamin D refractory rickets. Last evaluated: 2019-05-28. Review status: criteria provided, single submitter. Criteria: Mendelics Assertion Criteria 2017. Collection method: clinical testing. Allele origin: unknown.

Literature cited by the submitters: PubMed 9097956 (cited by Labcorp Genetics (formerly Invitae), Labcorp); PubMed 9106524 (cited by Labcorp Genetics (formerly Invitae), Labcorp); PubMed 19219621 (cited by Labcorp Genetics (formerly Invitae), Labcorp).